The following is an entry in ClinVar:

NM_003995.4(NPR2):c.3119G>A (p.Arg1040Gln)

Genes: NPR2 (natriuretic peptide receptor 2; plus strand), SPAG8 (sperm associated antigen 8; minus strand). Cytogenetic location: 9p13.3.
Variant type: single nucleotide variant.
Coding change: c.3119G>A on transcript NM_003995.4 (MANE Select); coding-DNA position 3119, G replaced by A.
Protein change: p.Arg1040Gln; replaces arginine 1040 with glutamine.
Molecular consequence: missense variant. On other transcripts: synonymous variant (1), intron variant (1).
Genome position (GRCh38, 1-based): chr9:35,809,420, G>A. VCF-style: chr9-35809420-G-A. GRCh37 (hg19) VCF-style: chr9-35809417-G-A.
Other names: c.1356C>T, p.Ser452= (NM_172312.2); c.3128G>A, p.Arg1043Gln (NM_001378923.1); c.1200+1019C>T (NM_001366760.2); short protein forms R1040Q, R1043Q.
Identifiers: ClinVar variation 1034725 (VCV001034725.12), dbSNP rs146546770, ClinGen allele CA5052223.

ClinVar aggregate classification (germline): Conflicting classifications of pathogenicity. Review status: criteria provided, conflicting classifications (1 of 4 stars). 3 submissions from 3 submitters: Uncertain significance (2); Likely benign (1). Last evaluated 2026-06-04.

Conditions:
Acromesomelic dysplasia 1, Maroteaux type (AMD1). Also called: ST. HELENA DYSPLASIA; ACROMESOMELIC DYSPLASIA 1. Identifiers: Orphanet 40, MedGen C1864356, MONDO:0011275, OMIM 602875.
Tall stature-scoliosis-macrodactyly of the great toes syndrome. Also called: Epiphyseal chondrodysplasia, miura type. Identifiers: Orphanet 329191, MedGen C4014690, MONDO:0014401, OMIM 615923.
Inborn genetic diseases. Identifiers: MedGen C0950123, MeSH D030342.

Allele frequency attached by ClinVar (database versions not stated): gnomAD 0.00015 and 0.00016; TOPMed 0.00021; ESP Exome Variant Server 0.00015.
gnomAD v4.1: 141 of 1,614,032 alleles (0.0087%); highest among the groups gnomAD compares: African/African-American, 0.045%; no homozygotes.

Submissions (3):

Women's Health and Genetics/Laboratory Corporation of America, LabCorp
Classification: Uncertain significance. Last evaluated: 2026-06-04. Review status: criteria provided, single submitter. Criteria: LabCorp Variant Classification Summary - May 2015. Collection method: clinical testing. Allele origin: germline.
Comment: Variant summary: NPR2 c.3119G>A (p.Arg1040Gln) results in a conservative amino acid change in the encoded protein sequence. Algorithms developed to predict the effect of missense changes on protein structure and function are either unavailable or do not agree on the potential impact of this missense change. The variant allele was found at a frequency of 7.6e-05 in 251480 control chromosomes, predominantly at a frequency of 0.00068 within the African or African-American subpopulation in the gnomAD database. This frequency is not significantly higher than estimated for disease-causing variants in NPR2, allowing no conclusion about variant significance. To our knowledge, no occurrence of c.3119G>A in individuals affected with NPR2-related conditions and no experimental evidence demonstrating its impact on protein function have been reported. ClinVar contains an entry for this variant (Variation ID: 1034725). Based on the evidence outlined above, the variant was classified as uncertain significance.

Labcorp Genetics (formerly Invitae), Labcorp
Classification: Likely benign for Tall stature-scoliosis-macrodactyly of the great toes syndrome; Acromesomelic dysplasia 1, Maroteaux type. Last evaluated: 2025-12-20. Review status: criteria provided, single submitter. Criteria: Invitae Variant Classification Sherloc (09022015). Collection method: clinical testing. Allele origin: germline.

Ambry Genetics
Classification: Uncertain significance for Inborn genetic diseases. Last evaluated: 2021-08-13. Review status: criteria provided, single submitter. Criteria: Ambry Variant Classification Scheme 2023. Collection method: clinical testing. Allele origin: germline.